The following is an entry in ClinVar:

ClinVar aggregate classification (germline): Uncertain significance. Review status: criteria provided, multiple submitters, no conflicts (2 of 4 stars). 4 submissions from 4 submitters: Uncertain significance (4). Last evaluated 2026-07-07.

Conditions:
Periodic fever-infantile enterocolitis-autoinflammatory syndrome. Also called: Autoinflammation with infantile enterocolitis. Identifiers: Orphanet 436166, MedGen C4015067, MONDO:0014472, OMIM 616050.
Familial cold autoinflammatory syndrome 4 (FCAS4). Identifiers: Orphanet 47045, Orphanet 576349, MedGen C4015276, MONDO:0014498, OMIM 616115.
NLRC4-related disorder. Also called: NLRC4-related condition.

Allele frequency attached by ClinVar (database versions not stated): gnomAD 0.00001; TOPMed 0.00002; ExAC 0.00003; gnomAD exomes 0.00003.
gnomAD v4.1: 71 of 1,592,900 alleles (0.0045%); highest among the groups gnomAD compares: Non-Finnish European, 0.0058%; no homozygotes.

Submissions (4):

PreventionGenetics, part of Exact Sciences
Classification: Uncertain significance for NLRC4-related condition. Last evaluated: 2026-07-07. Review status: criteria provided, single submitter. Criteria: ACMG Guidelines, 2015. Collection method: clinical testing. Allele origin: germline.
Comment: The NLRC4 c.2818C>T variant is predicted to result in premature protein termination (p.Gln940*). This variant falls within the terminal exon of NLRC4. To our knowledge, this variant has not been reported in the literature. This variant is reported in 0.0072% of alleles in individuals of European (Non-Finnish) descent in gnomAD and is classified as uncertain in ClinVar (Variation ID: 836853). Loss-of-function has not been established as a mechanism of NLRC4-related disease. At this time, the clinical significance of this variant is uncertain due to the absence of conclusive functional and genetic evidence.

Labcorp Genetics (formerly Invitae), Labcorp
Classification: Uncertain significance for Periodic fever-infantile enterocolitis-autoinflammatory syndrome; Familial cold autoinflammatory syndrome 4. Last evaluated: 2022-07-15. Review status: criteria provided, single submitter. Criteria: Invitae Variant Classification Sherloc (09022015). Collection method: clinical testing. Allele origin: germline.
Comment: This sequence change creates a premature translational stop signal (p.Gln940*) in the NLRC4 gene. While this is not anticipated to result in nonsense mediated decay, it is expected to disrupt the last 85 amino acid(s) of the NLRC4 protein. This variant is present in population databases (rs199685258, gnomAD 0.007%). This variant has not been reported in the literature in individuals affected with NLRC4-related conditions. ClinVar contains an entry for this variant (Variation ID: 836853). Experimental studies and prediction algorithms are not available or were not evaluated, and the functional significance of this variant is currently unknown. In summary, the available evidence is currently insufficient to determine the role of this variant in disease. Therefore, it has been classified as a Variant of Uncertain Significance.

Fulgent Genetics
Classification: Uncertain significance for Periodic fever-infantile enterocolitis-autoinflammatory syndrome; Familial cold autoinflammatory syndrome 4. Last evaluated: 2022-04-29. Review status: criteria provided, single submitter. Criteria: ACMG Guidelines, 2015. Collection method: clinical testing. Allele origin: unknown.

Blueprint Genetics
Classification: Uncertain significance. Last evaluated: 2022-04-25. Review status: criteria provided, single submitter. Criteria: ACMG Guidelines, 2015. Collection method: clinical testing. Allele origin: germline.

NM_001199138.2(NLRC4):c.2818C>T (p.Gln940Ter)

Gene: NLRC4 (NLR family CARD domain containing 4; minus strand). Cytogenetic location: 2p22.3.
Variant type: single nucleotide variant.
Coding change: c.2818C>T on transcript NM_001199138.2 (MANE Select); coding-DNA position 2818, C replaced by T.
Protein change: p.Gln940Ter; replaces glutamine 940 with a stop codon.
Molecular consequence: nonsense.
Genome position (GRCh38, 1-based): chr2:32,224,730, G>A on the plus strand (C>T on the coding strand, the complement: NLRC4 is on the minus strand). VCF-style: chr2-32224730-G-A. GRCh37 (hg19) VCF-style: chr2-32449799-G-A.
Other names: c.2818C>T, p.Gln940Ter (NM_001199139.2, NM_021209.5); c.823C>T, p.Gln275Ter (NM_001302504.2); short protein forms Q940*, Q275*.
Identifiers: ClinVar variation 836853 (VCV000836853.10), dbSNP rs199685258, ClinGen allele CA1601664.